The following is an entry in ClinVar:

NM_000384.3(APOB):c.4481C>T (p.Ser1494Leu)

Gene: APOB (apolipoprotein B; minus strand). Cytogenetic location: 2p24.1.
Variant type: single nucleotide variant.
Coding change: c.4481C>T on transcript NM_000384.3 (MANE Select); coding-DNA position 4481, C replaced by T.
Protein change: p.Ser1494Leu; replaces serine 1494 with leucine.
Molecular consequence: missense variant.
Genome position (GRCh38, 1-based): chr2:21,012,387, G>A on the plus strand (C>T on the coding strand, the complement: APOB is on the minus strand). VCF-style: chr2-21012387-G-A. GRCh37 (hg19) VCF-style: chr2-21235259-G-A.
Other names: short protein forms S1494L.
Identifiers: ClinVar variation 3900218 (VCV003900218.4), dbSNP rs1020402380.

ClinVar aggregate classification (germline): Conflicting classifications of pathogenicity. Review status: criteria provided, conflicting classifications (1 of 4 stars). 4 submissions from 4 submitters: Uncertain significance (3); Likely benign (1). Last evaluated 2026-07-10.

Conditions:
Cardiovascular phenotype. Identifiers: MedGen CN230736.
APOB-related disorder. Also called: APOB-related condition; APOB-related disorders.
Hypercholesterolemia, autosomal dominant, type B (FHCL2). Also called: Familial Hypercholesterolemia Type B; APOLIPOPROTEIN B-100, FAMILIAL DEFECTIVE; APOLIPOPROTEIN B-100, FAMILIAL LIGAND-DEFECTIVE; HYPERCHOLESTEROLEMIA, FAMILIAL, DUE TO LIGAND-DEFECTIVE APOLIPOPROTEIN B; Hyperlipoproteinemia Type IIb; APOB-Related Familial Hypercholesterolemia, Autosomal Dominant. Identifiers: MedGen C1704417, MONDO:0007751, OMIM 144010.
Familial hypobetalipoproteinemia 1. Also called: Hypobetalipoproteinemia, normotriglyceridemic; Acanthocytosis with hypobetalipoproteinemia; APOB-Related Familial Hypobetalipoproteinemia. Identifiers: MedGen C4551990, MONDO:0014252, OMIM 615558.

Allele frequency attached by ClinVar (database versions not stated): TOPMed 0.00001; gnomAD exomes 0.00002.
gnomAD v4.1: 11 of 1,614,176 alleles (0.00068%); highest among the groups gnomAD compares: Admixed American, 0.01%; no homozygotes.

Submissions (4):

PreventionGenetics, part of Exact Sciences
Classification: Uncertain significance for APOB-related condition. Last evaluated: 2026-07-10. Review status: criteria provided, single submitter. Criteria: ACMG Guidelines, 2015. Collection method: clinical testing. Allele origin: germline.
Comment: The APOB c.4481C>T variant is predicted to result in the amino acid substitution p.Ser1494Leu. This variant has been reported in an individual with myelomeningocele (Table S3, Au et al. 2021. PubMed ID: 33574475). This variant is reported in 0.014% of alleles in individuals of Latino descent in gnomAD. At this time, the clinical significance of this variant is uncertain due to the absence of conclusive functional and genetic evidence.

Labcorp Genetics (formerly Invitae), Labcorp
Classification: Likely benign for Familial hypobetalipoproteinemia 1; Hypercholesterolemia, autosomal dominant, type B. Last evaluated: 2025-11-24. Review status: criteria provided, single submitter. Criteria: Invitae Variant Classification Sherloc (09022015). Collection method: clinical testing. Allele origin: germline.

Ambry Genetics
Classification: Uncertain significance for Cardiovascular phenotype. Last evaluated: 2025-06-09. Review status: criteria provided, single submitter. Criteria: Ambry Variant Classification Scheme 2023. Collection method: clinical testing. Allele origin: germline.
Comment: The p.S1494L variant (also known as c.4481C>T), located in coding exon 26 of the APOB gene, results from a C to T substitution at nucleotide position 4481. The serine at codon 1494 is replaced by leucine, an amino acid with dissimilar properties. This amino acid position is well conserved in available vertebrate species. In addition, this alteration is predicted to be tolerated by in silico analysis. Based on the available evidence, the clinical significance of this variant remains unclear.

GeneDx
Classification: Uncertain significance. Last evaluated: 2024-11-21. Review status: criteria provided, single submitter. Criteria: GeneDx Variant Classification Process June 2021. Collection method: clinical testing. Allele origin: germline. Affected: yes.
Comment: In silico analysis supports that this missense variant has a deleterious effect on protein structure/function; This variant is associated with the following publications: (PMID: 33574475)